The following is an entry in ClinVar:

ClinVar aggregate classification (germline): Uncertain significance. Review status: criteria provided, multiple submitters, no conflicts (2 of 4 stars). 3 submissions from 3 submitters: Uncertain significance (2). 1 of the submissions does not count toward it. Last evaluated 2025-08-18.

Conditions:
Usher syndrome type 2A. Also called: RETINAL DISEASE IN USHER SYNDROME TYPE IIA, MODIFIER OF; USHER SYNDROME, TYPE IIA. Identifiers: Orphanet 231178, Orphanet 886, MedGen C1848634, MONDO:0010169, OMIM 276901.

Allele frequency attached by ClinVar (database versions not stated): TOPMed below 0.00001; gnomAD 0.00001; gnomAD exomes 0.00001.
gnomAD v4.1: 9 of 1,613,418 alleles (0.00056%); highest among the groups gnomAD compares: Middle Eastern, 0.066%; no homozygotes.

Submissions (3):

Labcorp Genetics (formerly Invitae), Labcorp
Classification: Uncertain significance. Last evaluated: 2025-08-18. Review status: criteria provided, single submitter. Criteria: Invitae Variant Classification Sherloc (09022015). Collection method: clinical testing. Allele origin: germline.
Comment: This sequence change replaces proline, which is neutral and non-polar, with leucine, which is neutral and non-polar, at codon 465 of the USH2A protein (p.Pro465Leu). This variant is not present in population databases (gnomAD no frequency). This variant has not been reported in the literature in individuals affected with USH2A-related conditions. ClinVar contains an entry for this variant (Variation ID: 861101). Invitae Evidence Modeling of protein sequence and biophysical properties (such as structural, functional, and spatial information, amino acid conservation, physicochemical variation, residue mobility, and thermodynamic stability) indicates that this missense variant is expected to disrupt USH2A protein function with a positive predictive value of 80%. In summary, the available evidence is currently insufficient to determine the role of this variant in disease. Therefore, it has been classified as a Variant of Uncertain Significance.

Blueprint Genetics
Classification: Uncertain significance. Last evaluated: 2022-09-02. Review status: criteria provided, single submitter. Criteria: ACMG Guidelines, 2015. Collection method: clinical testing. Allele origin: germline.

Natera, Inc.
Classification: Uncertain significance for Usher syndrome type 2A. Last evaluated: 2020-08-27. Review status: no assertion criteria provided. Collection method: clinical testing. Allele origin: germline. Not counted in ClinVar's aggregate classification.

NM_206933.4(USH2A):c.1394C>T (p.Pro465Leu)

Gene: USH2A (usherin; minus strand). Cytogenetic location: 1q41.
Variant type: single nucleotide variant.
Coding change: c.1394C>T on transcript NM_206933.4 (MANE Select); coding-DNA position 1394, C replaced by T.
Protein change: p.Pro465Leu; replaces proline 465 with leucine.
Molecular consequence: missense variant.
Genome position (GRCh38, 1-based): chr1:216,323,630, G>A on the plus strand (C>T on the coding strand, the complement: USH2A is on the minus strand). VCF-style: chr1-216323630-G-A. GRCh37 (hg19) VCF-style: chr1-216496972-G-A.
Other names: c.1394C>T, p.Pro465Leu (NM_007123.6); short protein forms P465L.
Identifiers: ClinVar variation 861101 (VCV000861101.10), dbSNP rs2037663532, ClinGen allele CA344910197.
Genomic context (GRCh38, chr1:216,323,630, plus strand): 5'-ATTTGCGTGGCTTTTACGAACTCTTGAAGAGATGGGGTATTATAGAAGTTATTGTATCCA[G>A]GACGATAATTTGGTCCAGGTGTCAGGATGCTAAATGTGACATTGCCACGGGAATATGGAG-3'
Protein context (NP_996816.3, residues 455-475): SILTPGPNYR[Pro465Leu]GYNNFYNTPS